The following is an entry in ClinVar:

ClinVar aggregate classification (germline): Likely benign (1 of 4 stars; one submission).

Conditions:
B9D1-related disorder. Also called: B9D1-related condition; B9D1-related disorders.

gnomAD v4.1: 14 of 1,495,016 alleles (0.00094%); highest among the groups gnomAD compares: Admixed American, 0.016%; no homozygotes.

Submission:

PreventionGenetics, part of Exact Sciences
Classification: Likely benign for B9D1-related condition. Last evaluated: 2026-08-02. Review status: criteria provided, single submitter. Criteria: ACMG Guidelines, 2015. Collection method: clinical testing. Allele origin: germline.
Comment: This variant is classified as likely benign based on ACMG/AMP sequence variant interpretation guidelines (Richards et al. 2015 PMID: 25741868, with internal and published modifications).

NM_015681.6(B9D1):c.-141G>A

Gene: B9D1 (B9 domain containing 1; minus strand). Cytogenetic location: 17p11.2.
Variant type: single nucleotide variant.
Coding change: c.-141G>A on transcript NM_015681.6 (MANE Select); 141 bases upstream of the start codon, G replaced by A.
Molecular consequence: 5 prime UTR variant. On other transcripts: intron variant (1).
Genome position (GRCh38, 1-based): chr17:19,362,710, C>T on the plus strand (G>A on the coding strand, the complement: B9D1 is on the minus strand). VCF-style: chr17-19362710-C-T. GRCh37 (hg19) VCF-style: chr17-19266023-C-T.
Other names: NM_001243473.2:c.12G>A; c.-141G>A (NM_001321214.2, NM_001321215.3, NM_001321216.2 and 4 more transcripts); c.-297-2322G>A (NM_001368769.2).
Identifiers: ClinVar variation 4979351 (VCV004979351.1).